The following is an entry in ClinVar:

ClinVar aggregate classification (germline): Uncertain significance. Review status: criteria provided, multiple submitters, no conflicts (2 of 4 stars). 2 submissions from 2 submitters: Uncertain significance (2). Last evaluated 2025-08-04.

Conditions:
Inborn genetic diseases. Identifiers: MedGen C0950123, MeSH D030342.

Allele frequency attached by ClinVar (database versions not stated): ExAC 0.00001; gnomAD exomes 0.00001 and 0.00002; gnomAD 0.00004 and 0.00005; TOPMed 0.00005; ESP Exome Variant Server 0.00008.
gnomAD v4.1: 38 of 1,614,068 alleles (0.0024%); highest among the groups gnomAD compares: Admixed American, 0.0033%; no homozygotes.

Submissions (2):

Ambry Genetics
Classification: Uncertain significance for Inborn genetic diseases. Last evaluated: 2025-08-04. Review status: criteria provided, single submitter. Criteria: Ambry Variant Classification Scheme 2023. Collection method: clinical testing. Allele origin: germline.

Labcorp Genetics (formerly Invitae), Labcorp
Classification: Uncertain significance. Last evaluated: 2024-10-30. Review status: criteria provided, single submitter. Criteria: Invitae Variant Classification Sherloc (09022015). Collection method: clinical testing. Allele origin: germline.
Comment: This sequence change replaces serine, which is neutral and polar, with glycine, which is neutral and non-polar, at codon 205 of the CSF2RB protein (p.Ser205Gly). This variant is present in population databases (rs367927682, gnomAD 0.002%). This variant has not been reported in the literature in individuals affected with CSF2RB-related conditions. ClinVar contains an entry for this variant (Variation ID: 1412442). Invitae Evidence Modeling of protein sequence and biophysical properties (such as structural, functional, and spatial information, amino acid conservation, physicochemical variation, residue mobility, and thermodynamic stability) indicates that this missense variant is not expected to disrupt CSF2RB protein function with a negative predictive value of 80%. In summary, the available evidence is currently insufficient to determine the role of this variant in disease. Therefore, it has been classified as a Variant of Uncertain Significance.

NM_000395.3(CSF2RB):c.613A>G (p.Ser205Gly)

Gene: CSF2RB (colony stimulating factor 2 receptor subunit beta; plus strand). Cytogenetic location: 22q12.3.
Variant type: single nucleotide variant.
Coding change: c.613A>G on transcript NM_000395.3 (MANE Select); coding-DNA position 613, A replaced by G.
Protein change: p.Ser205Gly; replaces serine 205 with glycine.
Molecular consequence: missense variant.
Genome position (GRCh38, 1-based): chr22:36,929,702, A>G. VCF-style: chr22-36929702-A-G. GRCh37 (hg19) VCF-style: chr22-37325744-A-G.
Other names: c.613A>G (NM_000395.2); short protein forms S205G.
Identifiers: ClinVar variation 1412442 (VCV001412442.7), dbSNP rs367927682, ClinGen allele CA10213530.